The following is an entry in ClinVar:

ClinVar aggregate classification (germline): Conflicting classifications of pathogenicity. Review status: criteria provided, conflicting classifications (1 of 4 stars). 4 submissions from 4 submitters: Likely pathogenic (2); Uncertain significance (2). Last evaluated 2024-10-10.

Conditions:
Familial thoracic aortic aneurysm and aortic dissection (TAAD). Also called: Thoracic aortic aneurysms and dissections. Identifiers: Orphanet 91387, MedGen C4707243, MONDO:0019625.
Loeys-Dietz syndrome 1 (LDS1). Also called: TGFBR1-Related Loeys-Dietz Syndrome; FURLONG SYNDROME; AORTIC ANEURYSM, FAMILIAL THORACIC 5. Identifiers: Orphanet 60030, MedGen C4551955, MONDO:0012212, OMIM 609192.

Submissions (4):

Victorian Clinical Genetics Services, Murdoch Childrens Research Institute
Classification: Likely pathogenic for Loeys-Dietz syndrome 1. Last evaluated: 2024-10-10. Review status: criteria provided, single submitter. Criteria: ACMG Guidelines, 2015. Collection method: clinical testing. Allele origin: germline. Inheritance: Autosomal dominant inheritance. Affected: yes.
Comment: Based on the classification scheme VCGS_Germline_v1.3.5, this variant is classified as Likely pathogenic. Following criteria are met: 0102 - Loss of function is a known mechanism of disease in this gene and is associated with multiple self-healing squamous epithelioma (MSSE) (MIM#132800) (PMID: 21358634). Dominant negative is a suspected mechanism of disease in this gene and has been associated with Loeys–Dietz syndrome (LDS) (MIM#609192) (PMID: 29706644). (I) 0107 - This gene is associated with autosomal dominant disease. (I) 0115 - Variants in this gene are known to have variable expressivity (PMID: 32339686). (I) 0200 - Variant is predicted to result in a missense amino acid change from leucine to phenylalanine. (I) 0251 - This variant is heterozygous. (I) 0301 - Variant is absent from gnomAD (v2, v3 and v4). (SP) 0309 - An alternative amino acid change at the same position has been observed in gnomAD (v3) (1 heterozygote, 0 homozygotes). (I) 0501 - Missense variant consistently predicted to be damaging by multiple in silico tools or highly conserved with a major amino acid change. (SP) 0600 - Variant is located in the annotated GS motif (Uniprot). (I) 0710 - Another missense variant comparable to the one identified in this case has inconclusive previous evidence for pathogenicity. A different variant in the same codon resulting in a change to an arginine has been reported as a VUS (ClinVar). (I) 0803 - This variant has limited previous evidence of pathogenicity in unrelated individuals. This variant has been reported in another family tested at VCGS, with a history of aortic dilatation and aortic dissection. This variant has also been reported as a VUS in an individual with history of aortic dissection, lung collapse, pectus excavatum, and periumbilical hernia (ClinVar; GeneDx personal communication). (SP) 0902 - This variant has moderate evidence for segregation with disease. The variant segregates with disease in this individual's family and one other family tested at VCGS. (SP) 1007 - No published functional evidence has been identified for this variant. (I) Legend: (SP) - Supporting pathogenic, (I) - Information, (SB) - Supporting benign

Molecular Genetics, Royal Melbourne Hospital
Classification: Likely pathogenic for Familial thoracic aortic aneurysm and aortic dissection. Last evaluated: 2024-05-02. Review status: criteria provided, single submitter. Criteria: ACMG Guidelines, 2015. Collection method: clinical testing. Allele origin: germline. Inheritance: Autosomal dominant inheritance. Affected: yes.
Comment: This sequence change in TGFBR1 is predicted to replace leucine with phenylalanine at codon 196, p.(Leu196Phe). The leucine residue is highly conserved (100 vertebrates, Multiz Alignments), and is located in the GS motif. There is a small physicochemical difference between leucine and phenylalanine. This variant is absent from the population database gnomAD v4.1. This variant has been reported in at least two probands with a history of aortic dilatation and aortic dissection (ClinVar: SCV002557723.1, SCV000250874.10). The variant cosegregates with aortopathy in at least two families (ClinVar: SCV002557723.1; Royal Melbourne Hospital). Computational evidence predicts a deleterious effect for the missense substitution (REVEL = 0.83). Based on the classification scheme RMH Modified ACMG/AMP Guidelines v1.6.1, this variant is classified as LIKELY PATHOGENIC. Following criteria are met: PP1_Strong, PS4_Supporting, PM2_Supporting, PP3.

Labcorp Genetics (formerly Invitae), Labcorp
Classification: Uncertain significance for Familial thoracic aortic aneurysm and aortic dissection. Last evaluated: 2022-02-01. Review status: criteria provided, single submitter. Criteria: Invitae Variant Classification Sherloc (09022015). Collection method: clinical testing. Allele origin: germline.
Comment: In summary, the available evidence is currently insufficient to determine the role of this variant in disease. Therefore, it has been classified as a Variant of Uncertain Significance. Algorithms developed to predict the effect of missense changes on protein structure and function are either unavailable or do not agree on the potential impact of this missense change (SIFT: "Deleterious"; PolyPhen-2: "Probably Damaging"; Align-GVGD: "Class C15"). ClinVar contains an entry for this variant (Variation ID: 213870). This variant has not been reported in the literature in individuals affected with TGFBR1-related conditions. This variant is not present in population databases (gnomAD no frequency). This sequence change replaces leucine, which is neutral and non-polar, with phenylalanine, which is neutral and non-polar, at codon 196 of the TGFBR1 protein (p.Leu196Phe).

GeneDx
Classification: Uncertain significance. Last evaluated: 2013-11-15. Review status: criteria provided, single submitter. Criteria: GeneDx Variant Classification (06012015). Collection method: clinical testing. Allele origin: germline. Affected: yes.
Comment: p.Leu196Phe (CTT>TTT): c.586 C>T in exon 4 of the TGFBR1 gene (NM_004612.2) The Leu196Phe variant in the TGFBR1 gene has not been reported as a disease-causing mutation or as a benign polymorphism to our knowledge. The Leu196Phe variant is a conservative amino substitution as these residues share similar properties, and are least likely to impact secondary structure. However, the Leu196 residue is conserved across species. In silico analysis predicts Leu196Phe is probably damaging to the protein structure/function. Mutations in a nearby residue (Thr200Ile, Thr200Pro) have been reported in association with Loeys-Dietz syndrome, further supporting the functional importance of this region of the protein. Furthermore, the Leu196Phe variant was not observed in approximately 6,500 individuals of European and African American ancestry in the NHLBI Exome Sequencing Project, indicating it is not a common benign variant in these populations. With the clinical and molecular information available at this time, we cannot definitively determine if Leu196Phe is a disease-causing mutation or a rare benign variant. This variant was found in TAAD

Literature cited by the submitters: PubMed 21358634 (cited by Victorian Clinical Genetics Services, Murdoch Childrens Research Institute); PubMed 29706644 (cited by Victorian Clinical Genetics Services, Murdoch Childrens Research Institute); PubMed 32339686 (cited by Victorian Clinical Genetics Services, Murdoch Childrens Research Institute).

NM_004612.4(TGFBR1):c.586C>T (p.Leu196Phe)

Gene: TGFBR1 (transforming growth factor beta receptor 1; plus strand). Cytogenetic location: 9q22.33.
Variant type: single nucleotide variant.
Coding change: c.586C>T on transcript NM_004612.4 (MANE Select); coding-DNA position 586, C replaced by T.
Protein change: p.Leu196Phe; replaces leucine 196 with phenylalanine.
Molecular consequence: missense variant.
Genome position (GRCh38, 1-based): chr9:99,137,870, C>T. VCF-style: chr9-99137870-C-T. GRCh37 (hg19) VCF-style: chr9-101900152-C-T.
Other names: p.L196F:CTT>TTT; c.355C>T, p.Leu119Phe (NM_001130916.3); c.598C>T, p.Leu200Phe (NM_001306210.2); short protein forms L196F, L200F, L119F.
Identifiers: ClinVar variation 213870 (VCV000213870.12), dbSNP rs863223807, ClinGen allele CA322942.